The following is an entry in ClinVar:

ClinVar aggregate classification (germline): Uncertain significance. Review status: criteria provided, multiple submitters, no conflicts (2 of 4 stars). 2 submissions from 2 submitters: Uncertain significance (2). Last evaluated 2024-05-14.

Conditions:
Marfan syndrome (MFS). Also called: MARFAN SYNDROME, TYPE I; Marfan syndrome type 1; Marfan's syndrome; Marfan syndrome, classic; FBN1-Related Marfan Syndrome. Identifiers: Orphanet 284963, Orphanet 558, MedGen C0024796, MONDO:0007947, OMIM 154700.
Familial thoracic aortic aneurysm and aortic dissection (TAAD). Also called: Thoracic aortic aneurysms and dissections. Identifiers: Orphanet 91387, MedGen C4707243, MONDO:0019625.

Allele frequency attached by ClinVar (database versions not stated): gnomAD exomes 0.00001.

Submissions (2):

All of Us Research Program, National Institutes of Health
Classification: Uncertain significance for Marfan syndrome. Last evaluated: 2024-05-14. Review status: criteria provided, single submitter. Criteria: ACMG Guidelines, 2015. Collection method: clinical testing. Allele origin: germline. Inheritance: Autosomal dominant inheritance. Observed: 1 variant allele, 1 heterozygote.
Comment: This missense variant replaces aspartic acid with tyrosine at codon 290 of the FBN1 protein. Computational prediction tools indicate that this variant has a deleterious impact on protein structure and function. To our knowledge, functional studies have not been reported for this variant. This variant has not been reported in individuals affected with FBN1-related disorders in the literature. This variant has been identified in 2/251342 chromosomes in the general population by the Genome Aggregation Database (gnomAD). The available evidence is insufficient to determine the role of this variant in disease conclusively. Therefore, this variant is classified as a Variant of Uncertain Significance.

This study involves interpretation of variants in research participants for the purpose of population health screening. Participant phenotype was not available at the time of variant classification. Additional details can be found in publication PMID: 35346344, PMCID: PMC8962531

Labcorp Genetics (formerly Invitae), Labcorp
Classification: Uncertain significance for Marfan syndrome; Familial thoracic aortic aneurysm and aortic dissection. Last evaluated: 2023-11-04. Review status: criteria provided, single submitter. Criteria: Invitae Variant Classification Sherloc (09022015). Collection method: clinical testing. Allele origin: germline.
Comment: This sequence change replaces aspartic acid, which is acidic and polar, with tyrosine, which is neutral and polar, at codon 290 of the FBN1 protein (p.Asp290Tyr). This variant is present in population databases (no rsID available, gnomAD 0.0009%). This variant has not been reported in the literature in individuals affected with FBN1-related conditions. Advanced modeling of protein sequence and biophysical properties (such as structural, functional, and spatial information, amino acid conservation, physicochemical variation, residue mobility, and thermodynamic stability) performed at Invitae indicates that this missense variant is expected to disrupt FBN1 protein function with a positive predictive value of 95%. In summary, the available evidence is currently insufficient to determine the role of this variant in disease. Therefore, it has been classified as a Variant of Uncertain Significance.

NM_000138.5(FBN1):c.868G>T (p.Asp290Tyr)

Gene: FBN1 (fibrillin 1; minus strand). Cytogenetic location: 15q21.1.
Variant type: single nucleotide variant.
Coding change: c.868G>T on transcript NM_000138.5 (MANE Select); coding-DNA position 868, G replaced by T.
Protein change: p.Asp290Tyr; replaces aspartic acid 290 with tyrosine.
Molecular consequence: missense variant.
Genome position (GRCh38, 1-based): chr15:48,526,250, C>A on the plus strand (G>T on the coding strand, the complement: FBN1 is on the minus strand). VCF-style: chr15-48526250-C-A. GRCh37 (hg19) VCF-style: chr15-48818447-C-A.
Other names: c.868G>T, p.Asp290Tyr (NM_001406716.1); short protein forms D290Y.
Identifiers: ClinVar variation 2953543 (VCV002953543.4), dbSNP rs1429410032, ClinGen allele CA392350577.